The following is an entry in ClinVar:

NM_000051.4(ATM):c.3173G>T (p.Trp1058Leu)

Gene: ATM (ATM serine/threonine kinase; plus strand). Cytogenetic location: 11q22.3.
Variant type: single nucleotide variant.
Coding change: c.3173G>T on transcript NM_000051.4 (MANE Select); coding-DNA position 3173, G replaced by T.
Protein change: p.Trp1058Leu; replaces tryptophan 1058 with leucine.
Molecular consequence: missense variant.
Genome position (GRCh38, 1-based): chr11:108,272,741, G>T. VCF-style: chr11-108272741-G-T. GRCh37 (hg19) VCF-style: chr11-108143468-G-T.
Other names: c.3173G>T, p.Trp1058Leu (NM_001351834.2); short protein forms W1058L.
Identifiers: ClinVar variation 1728469 (VCV001728469.2), dbSNP rs1297911790, ClinGen allele CA382515588.

ClinVar aggregate classification (germline): Uncertain significance (1 of 4 stars; one submission).

Conditions:
Hereditary cancer-predisposing syndrome. Also called: Tumor predisposition; Neoplastic Syndromes, Hereditary; Hereditary Cancer Syndrome; Hereditary neoplastic syndrome. Identifiers: Orphanet 140162, MedGen C0027672, MeSH D009386, MONDO:0015356.

gnomAD v4.1: 1 of 1,613,846 alleles (0.000062%); highest among the groups gnomAD compares: South Asian, 0.0011%; no homozygotes.

Submission:

Ambry Genetics
Classification: Uncertain significance for Hereditary cancer-predisposing syndrome. Last evaluated: 2017-10-12. Review status: criteria provided, single submitter. Criteria: Ambry Variant Classification Scheme 2023. Collection method: clinical testing. Allele origin: germline.
Comment: The p.W1058L variant (also known as c.3173G>T), located in coding exon 21 of the ATM gene, results from a G to T substitution at nucleotide position 3173. The tryptophan at codon 1058 is replaced by leucine, an amino acid with similar properties. This amino acid position is highly conserved in available vertebrate species. In addition, this alteration is predicted to be deleterious by in silico analysis. Since supporting evidence is limited at this time, the clinical significance of this alteration remains unclear.